The following is an entry in ClinVar:

ClinVar aggregate classification (germline): Conflicting classifications of pathogenicity. Review status: criteria provided, conflicting classifications (1 of 4 stars). 4 submissions from 4 submitters: Uncertain significance (1); Likely benign (2). 1 of the submissions does not count toward it. Last evaluated 2025-09-10.

Conditions:
Charcot-Marie-Tooth disease type 4D. Also called: CHARCOT-MARIE-TOOTH DISEASE, DEMYELINATING, TYPE 4D; Charcot-Marie-Tooth Neuropathy Type 4D; CHARCOT-MARIE-TOOTH DISEASE, DEMYELINATING, AUTOSOMAL RECESSIVE, TYPE 4D; NEUROPATHY, HEREDITARY MOTOR AND SENSORY, LOM TYPE. Identifiers: Orphanet 99950, MedGen C1832334, MONDO:0011085, OMIM 601455.
Charcot-Marie-Tooth disease type 4. Also called: Charcot-Marie-Tooth disease, type IV; Charcot-Marie-Tooth, Type 4. Identifiers: Orphanet 64749, MedGen C4082197, MONDO:0018995.
NDRG1-related disorder. Also called: NDRG1-related condition.

Allele frequency attached by ClinVar (database versions not stated): ExAC 0.00002; gnomAD exomes 0.00002 and 0.00003; TOPMed 0.00005; gnomAD 0.00006; ESP Exome Variant Server 0.00008; 1000 Genomes Project 30x 0.00016; 1000 Genomes Project 0.00020.
gnomAD v4.1: 53 of 1,614,164 alleles (0.0033%); highest among the groups gnomAD compares: African/African-American, 0.004%; no homozygotes.

Submissions (4):

PreventionGenetics, part of Exact Sciences
Classification: Likely benign for NDRG1-related condition. Last evaluated: 2025-09-10. Review status: criteria provided, single submitter. Criteria: ACMG Guidelines, 2015. Collection method: clinical testing. Allele origin: germline.
Comment: This variant is classified as likely benign based on ACMG/AMP sequence variant interpretation guidelines (Richards et al. 2015 PMID: 25741868, with internal and published modifications).

Labcorp Genetics (formerly Invitae), Labcorp
Classification: Likely benign for Charcot-Marie-Tooth disease type 4. Last evaluated: 2024-03-07. Review status: criteria provided, single submitter. Criteria: Invitae Variant Classification Sherloc (09022015). Collection method: clinical testing. Allele origin: germline.

Illumina Laboratory Services, Illumina
Classification: Uncertain significance for Charcot-Marie-Tooth disease type 4D. Last evaluated: 2018-01-13. Review status: criteria provided, single submitter. Criteria: ICSL Variant Classification Criteria 13 December 2019. Collection method: clinical testing. Allele origin: germline.

Natera, Inc.
Classification: Uncertain significance for Charcot-Marie-Tooth disease type 4. Last evaluated: 2020-10-21. Review status: no assertion criteria provided. Collection method: clinical testing. Allele origin: germline. Not counted in ClinVar's aggregate classification.

NM_006096.4(NDRG1):c.270C>T (p.Ala90=)

Gene: NDRG1 (N-myc downstream regulated 1; minus strand). Cytogenetic location: 8q24.22.
Variant type: single nucleotide variant.
Coding change: c.270C>T on transcript NM_006096.4 (MANE Select); coding-DNA position 270, C replaced by T.
Protein change: p.Ala90=; no amino-acid change (alanine 90 retained).
Molecular consequence: synonymous variant.
Genome position (GRCh38, 1-based): chr8:133,262,103, G>A on the plus strand (C>T on the coding strand, the complement: NDRG1 is on the minus strand). VCF-style: chr8-133262103-G-A. GRCh37 (hg19) VCF-style: chr8-134274346-G-A.
Other names: c.270C>T, p.Ala90= (NM_001135242.2, NM_001374844.1, NM_001374845.1 and 1 more transcripts); c.72C>T, p.Ala24= (NM_001258432.2, NM_001374847.1); c.27C>T, p.Ala9= (NM_001258433.2).
Identifiers: ClinVar variation 910370 (VCV000910370.14), dbSNP rs200328537, ClinGen allele CA4886838.
Genomic context (GRCh38, chr8:133,262,103, plus strand): 5'-TCACCCTGCGGGGAAGGAGGCTGCGCCGTCCTGCTGGCCAGGGGCGTCCACGTGGCAGAC[G>A]GCAAAGTGCTGGGTGATCTCCTGCATGTCCTCGTAGTTGAAGAGGGGGTTGTAGCAGGTT-3'
Protein context (NP_006087.2, residues 80-100): EDMQEITQHF[Ala90=]VCHVDAPGQQ